The following is an entry in ClinVar:

NM_000138.5(FBN1):c.2057C>A (p.Ala686Asp)

Gene: FBN1 (fibrillin 1; minus strand). Cytogenetic location: 15q21.1.
Variant type: single nucleotide variant.
Coding change: c.2057C>A on transcript NM_000138.5 (MANE Select); coding-DNA position 2057, C replaced by A.
Protein change: p.Ala686Asp; replaces alanine 686 with aspartic acid.
Molecular consequence: missense variant.
Genome position (GRCh38, 1-based): chr15:48,503,843, G>T on the plus strand (C>A on the coding strand, the complement: FBN1 is on the minus strand). VCF-style: chr15-48503843-G-T. GRCh37 (hg19) VCF-style: chr15-48796040-G-T.
Other names: short protein forms A686D.
Identifiers: ClinVar variation 36045 (VCV000036045.5), dbSNP rs193922186, ClinGen allele CA012756.

ClinVar aggregate classification (germline): Conflicting classifications of pathogenicity. Review status: criteria provided, conflicting classifications (1 of 4 stars). 3 submissions from 3 submitters: Likely pathogenic (1); Uncertain significance (2). Last evaluated 2025-01-30.

Conditions:
Familial thoracic aortic aneurysm and aortic dissection (TAAD). Also called: Thoracic aortic aneurysms and dissections. Identifiers: Orphanet 91387, MedGen C4707243, MONDO:0019625.
Marfan syndrome (MFS). Also called: FBN1-Related Marfan Syndrome; Marfan syndrome type 1; Marfan's syndrome; Marfan syndrome, classic; MARFAN SYNDROME, TYPE I. Identifiers: Orphanet 284963, Orphanet 558, MedGen C0024796, MONDO:0007947, OMIM 154700.
FBN1-related disorder. Also called: FBN1-related disorders.

Allele frequency attached by ClinVar (database versions not stated): gnomAD 0.00001; TOPMed 0.00001.
gnomAD v4.1: 1 of 1,614,052 alleles (0.000062%); highest among the groups gnomAD compares: Non-Finnish European, 0.000085%; no homozygotes.

Submissions (3):

PreventionGenetics, part of Exact Sciences
Classification: Uncertain significance for FBN1-related condition. Last evaluated: 2025-01-30. Review status: criteria provided, single submitter. Criteria: ACMG Guidelines, 2015. Collection method: clinical testing. Allele origin: germline.
Comment: The FBN1 c.2057C>A variant is predicted to result in the amino acid substitution p.Ala686Asp. This variant has been reported in two large studies with individuals presenting features consistent with Marfan syndrome (Table S6, Stheneur et al. 2009. PubMed ID: 19293843; Vatti et al. 2017. PubMed ID: 28941062). This variant has not been reported in a large population database (gnomAD), indicating this variant is rare. Although we suspect that this variant may be pathogenic, at this time, the clinical significance of this variant is uncertain due to the absence of conclusive functional and genetic evidence.

Ambry Genetics
Classification: Uncertain significance for Familial thoracic aortic aneurysm and aortic dissection. Last evaluated: 2024-11-04. Review status: criteria provided, single submitter. Criteria: Ambry Variant Classification Scheme 2023. Collection method: clinical testing. Allele origin: germline.
Comment: The p.A686D variant (also known as c.2057C>A), located in coding exon 16 of the FBN1 gene, results from a C to A substitution at nucleotide position 2057. The alanine at codon 686 is replaced by aspartic acid, an amino acid with dissimilar properties. This variant has been reported in Marfan syndrome cohorts (Stheneur C et al. Eur J Hum Genet, 2009 Sep;17:1121-8; Vatti L et al. Am J Med Genet A, 2017 Nov;173:2995-3002). This amino acid position is highly conserved in available vertebrate species. In addition, this alteration is predicted to be deleterious by in silico analysis. Based on the available evidence, the clinical significance of this variant remains unclear.

Women's Health and Genetics/Laboratory Corporation of America, LabCorp
Classification: Likely pathogenic for Marfan Syndrome. Last evaluated: 2011-08-18. Review status: criteria provided, single submitter. Criteria: LabCorp Variant Classification Summary - May 2015. Collection method: curation, clinical testing. Allele origin: germline. Inheritance: autosomal unknown. Affected: yes.
ClinVar note: Converted during submission from likely pathogenic to Likely pathogenic.

Literature cited by the submitters: PubMed 19293843 (cited by Ambry Genetics); PubMed 28941062 (cited by Ambry Genetics).